The following is an entry in ClinVar:

NM_000059.4(BRCA2):c.7360A>G (p.Ile2454Val)

Gene: BRCA2 (BRCA2 DNA repair associated; plus strand). Cytogenetic location: 13q13.1.
Variant type: single nucleotide variant.
Coding change: c.7360A>G on transcript NM_000059.4 (MANE Select); coding-DNA position 7360, A replaced by G.
Protein change: p.Ile2454Val; replaces isoleucine 2454 with valine.
Molecular consequence: missense variant. On other transcripts: non-coding transcript variant (1).
Genome position (GRCh38, 1-based): chr13:32,355,213, A>G. VCF-style: chr13-32355213-A-G. GRCh37 (hg19) VCF-style: chr13-32929350-A-G.
Other names: c.7264A>G, p.Ile2422Val (NM_001406719.1); c.7360A>G, p.Ile2454Val (NM_001406720.1, NM_001432077.1); c.2428A>G, p.Ile810Val (NM_001406721.1); c.943A>G, p.Ile315Val (NM_001406722.1); short protein forms I2454V, I2422V, I315V, I810V.
Identifiers: ClinVar variation 3684074 (VCV003684074.2).

ClinVar aggregate classification (germline): Uncertain significance (1 of 4 stars; one submission).

Conditions:
Hereditary breast ovarian cancer syndrome. Also called: Hereditary breast and ovarian cancer syndrome (HBOC); BRCA1- and BRCA2-Associated Hereditary Breast and Ovarian Cancer; Breast and ovarian cancer; Hereditary breast and ovarian cancer; Hereditary breast and ovarian cancer syndrome; Hereditary breast and/or ovarian cancer syndrome. Identifiers: Orphanet 145, MedGen C0677776, MeSH D061325, MONDO:0003582. Disease mechanism: loss of function.

Submission:

Labcorp Genetics (formerly Invitae), Labcorp
Classification: Uncertain significance for Hereditary breast ovarian cancer syndrome. Last evaluated: 2024-08-15. Review status: criteria provided, single submitter. Criteria: Invitae Variant Classification Sherloc (09022015). Collection method: clinical testing. Allele origin: germline.
Comment: This sequence change replaces isoleucine, which is neutral and non-polar, with valine, which is neutral and non-polar, at codon 2454 of the BRCA2 protein (p.Ile2454Val). This variant is not present in population databases (gnomAD no frequency). This variant has not been reported in the literature in individuals affected with BRCA2-related conditions. Invitae Evidence Modeling of protein sequence and biophysical properties (such as structural, functional, and spatial information, amino acid conservation, physicochemical variation, residue mobility, and thermodynamic stability) indicates that this missense variant is not expected to disrupt BRCA2 protein function with a negative predictive value of 95%. In summary, the available evidence is currently insufficient to determine the role of this variant in disease. Therefore, it has been classified as a Variant of Uncertain Significance.